The following is an entry in ClinVar:

NM_033360.4(KRAS):c.182A>C (p.Gln61Pro)

Gene: KRAS (KRAS proto-oncogene, GTPase; minus strand). Cytogenetic location: 12p12.1.
Variant type: single nucleotide variant.
Coding change: c.182A>C on transcript NM_033360.4 (MANE Plus Clinical); coding-DNA position 182, A replaced by C.
Protein change: p.Gln61Pro; replaces glutamine 61 with proline.
Molecular consequence: missense variant.
Genome position (GRCh38, 1-based): chr12:25,227,342, T>G on the plus strand (A>C on the coding strand, the complement: KRAS is on the minus strand). VCF-style: chr12-25227342-T-G. GRCh37 (hg19) VCF-style: chr12-25380276-T-G.
Other names: c.182A>C, p.Gln61Pro (LRG_344t1, LRG_344t2, NM_001369786.1 and 2 more transcripts); short protein forms Q61P.
Identifiers: ClinVar variation 3721113 (VCV003721113.2), dbSNP rs121913240.

ClinVar aggregate classification (germline): Uncertain significance (1 of 4 stars; one submission).

Conditions:
RASopathy. Also called: Noonan spectrum disorder; rasopathies. Identifiers: Orphanet 536391, MedGen C5555857, MONDO:0021060.

Submission:

Labcorp Genetics (formerly Invitae), Labcorp
Classification: Uncertain significance for RASopathy. Last evaluated: 2024-07-12. Review status: criteria provided, single submitter. Criteria: Invitae Variant Classification Sherloc (09022015). Collection method: clinical testing. Allele origin: germline.
Comment: This sequence change replaces glutamine, which is neutral and polar, with proline, which is neutral and non-polar, at codon 61 of the KRAS protein (p.Gln61Pro). This variant is not present in population databases (gnomAD no frequency). This missense change has been observed in individual(s) with undergoing clinical exome sequencing (PMID: 27848944). ClinVar contains an entry for this variant (Variation ID: 375966). Advanced modeling of protein sequence and biophysical properties (such as structural, functional, and spatial information, amino acid conservation, physicochemical variation, residue mobility, and thermodynamic stability) performed at Invitae indicates that this missense variant is expected to disrupt KRAS protein function with a positive predictive value of 95%. Experimental studies have shown that this missense change affects KRAS function (PMID: 34117033, 35944066). In summary, the available evidence is currently insufficient to determine the role of this variant in disease. Therefore, it has been classified as a Variant of Uncertain Significance.

Literature cited by the submitters: PubMed 27848944; PubMed 34117033; PubMed 35944066.